The following is an entry in ClinVar:

NM_004115.4(FGF14):c.193+3C>T

Gene: FGF14 (fibroblast growth factor 14; minus strand). Cytogenetic location: 13q33.1.
Variant type: single nucleotide variant.
Coding change: c.193+3C>T on transcript NM_004115.4 (MANE Select); 3 bases into the intron after coding-DNA position 193, C replaced by T.
Molecular consequence: intron variant.
Genome position (GRCh38, 1-based): chr13:101,916,450, G>A on the plus strand (C>T on the coding strand, the complement: FGF14 is on the minus strand). VCF-style: chr13-101916450-G-A. GRCh37 (hg19) VCF-style: chr13-102568800-G-A.
Other names: c.53-41154C>T (NM_001321947.2); c.92-41154C>T (NM_001379342.1, NM_001321948.2, NM_001321945.2); c.-59-41154C>T (NM_001321946.2, NM_001321949.1, NM_001321943.1 and 4 more transcripts); c.14-41154C>T (NM_001321938.2, NM_001321940.1, NM_001321933.1); c.209-47622C>T (NM_001321939.2); c.209-41154C>T (NM_175929.3, NM_001321937.2); c.8-41154C>T (NM_001321941.2); c.5-41154C>T (NM_001321944.1, NM_001321936.1, NM_001321932.1).
Identifiers: ClinVar variation 2627976 (VCV002627976.1), dbSNP rs2502396801, ClinGen allele CA2586963981.

ClinVar aggregate classification (germline): Uncertain significance (1 of 4 stars; one submission).

Conditions:
Spinocerebellar ataxia 27A. Also called: VESTIBULOCEREBELLAR DISORDER WITH PREDOMINANT OCULAR SIGNS. Identifiers: MedGen CN031884, MONDO:0008654, OMIM 193003.

Submission:

Neuberg Centre For Genomic Medicine, NCGM
Classification: Uncertain significance for Spinocerebellar ataxia 27A. Review status: criteria provided, single submitter. Criteria: ACMG Guidelines, 2015. Collection method: clinical testing. Allele origin: germline. Inheritance: Autosomal dominant inheritance. Affected: yes.
Comment: The splice site variant c.193+3C>T in FGF14 gene has not been reported previously as a pathogenic variant nor as a benign variant, to our knowledge. The c.193+3C>T variant is novel (not in any individuals) in gnomAD Exomes and 1000 Genomes. The variant does not affect the invariant splice site and splice prediction tools are contradictory in their predictions. For these reasons, this variant has been classified as Uncertain Significance.